The following is an entry in ClinVar:

ClinVar aggregate classification (germline): Uncertain significance (1 of 4 stars; one submission).

Submission:

GeneDx
Classification: Uncertain significance. Last evaluated: 2020-04-02. Review status: criteria provided, single submitter. Criteria: GeneDx Variant Classification Process June 2021. Collection method: clinical testing. Allele origin: germline. Affected: yes.
Comment: Not observed in large population cohorts (Lek et al., 2016); In silico analysis supports that this missense variant has a deleterious effect on protein structure/function; Has not been previously published as pathogenic or benign to our knowledge

NM_007215.4(POLG2):c.764G>C (p.Trp255Ser)

Genes: MILR1 (mast cell immunoglobulin like receptor 1; plus strand), POLG2 (DNA polymerase gamma 2, accessory subunit; minus strand). Cytogenetic location: 17q23.3.
Variant type: single nucleotide variant.
Coding change: c.764G>C on transcript NM_007215.4 (MANE Select); coding-DNA position 764, G replaced by C.
Protein change: p.Trp255Ser; replaces tryptophan 255 with serine.
Molecular consequence: missense variant.
Genome position (GRCh38, 1-based): chr17:64,492,698, C>G on the plus strand (G>C on the coding strand, the complement: POLG2 is on the minus strand). VCF-style: chr17-64492698-C-G. GRCh37 (hg19) VCF-style: chr17-62488815-C-G.
Other names: short protein forms W255S.
Identifiers: ClinVar variation 546287 (VCV000546287.3), dbSNP rs1555668725, ClinGen allele CA400638938.